The following is an entry in ClinVar:

ClinVar aggregate classification (germline): Uncertain significance (1 of 4 stars; one submission).

Conditions:
Ullrich congenital muscular dystrophy 2 (UCMD2). Identifiers: Orphanet 75840, MedGen C4225314, MONDO:0014654, OMIM 616470.
Bethlem myopathy 2 (BTHLM2). Identifiers: Orphanet 536516, Orphanet 610, MedGen C4225313, MONDO:0034022, OMIM 616471.

Allele frequency attached by ClinVar (database versions not stated): TOPMed 0.00001.

Submission:

Labcorp Genetics (formerly Invitae), Labcorp
Classification: Uncertain significance for Bethlem myopathy 2; Ullrich congenital muscular dystrophy 2. Last evaluated: 2025-02-17. Review status: criteria provided, single submitter. Criteria: Invitae Variant Classification Sherloc (09022015). Collection method: clinical testing. Allele origin: germline.
Comment: This sequence change replaces threonine, which is neutral and polar, with isoleucine, which is neutral and non-polar, at codon 1501 of the COL12A1 protein (p.Thr1501Ile). This variant is not present in population databases (gnomAD no frequency). This variant has not been reported in the literature in individuals affected with COL12A1-related conditions. ClinVar contains an entry for this variant (Variation ID: 2090700). Invitae Evidence Modeling of protein sequence and biophysical properties (such as structural, functional, and spatial information, amino acid conservation, physicochemical variation, residue mobility, and thermodynamic stability) indicates that this missense variant is not expected to disrupt COL12A1 protein function with a negative predictive value of 80%. In summary, the available evidence is currently insufficient to determine the role of this variant in disease. Therefore, it has been classified as a Variant of Uncertain Significance.

NM_004370.6(COL12A1):c.4502C>T (p.Thr1501Ile)

Gene: COL12A1 (collagen type XII alpha 1 chain; minus strand). Cytogenetic location: 6q13.
Variant type: single nucleotide variant.
Coding change: c.4502C>T on transcript NM_004370.6 (MANE Select); coding-DNA position 4502, C replaced by T.
Protein change: p.Thr1501Ile; replaces threonine 1501 with isoleucine.
Molecular consequence: missense variant.
Genome position (GRCh38, 1-based): chr6:75,146,160, G>A on the plus strand (C>T on the coding strand, the complement: COL12A1 is on the minus strand). VCF-style: chr6-75146160-G-A. GRCh37 (hg19) VCF-style: chr6-75855876-G-A.
Other names: c.1010C>T, p.Thr337Ile (NM_080645.3); short protein forms T337I, T1501I.
Identifiers: ClinVar variation 2090700 (VCV002090700.4), dbSNP rs1451946030, ClinGen allele CA364743697.